The following is an entry in ClinVar:

NM_001466.4(FZD2):c.1649A>G (p.Lys550Arg)

Gene: FZD2 (frizzled class receptor 2; plus strand). Cytogenetic location: 17q21.31.
Variant type: single nucleotide variant.
Coding change: c.1649A>G on transcript NM_001466.4 (MANE Select); coding-DNA position 1649, A replaced by G.
Protein change: p.Lys550Arg; replaces lysine 550 with arginine.
Molecular consequence: missense variant.
Genome position (GRCh38, 1-based): chr17:44,559,337, A>G. VCF-style: chr17-44559337-A-G. GRCh37 (hg19) VCF-style: chr17-42636705-A-G.
Other names: short protein forms K550R.
Identifiers: ClinVar variation 1990441 (VCV001990441.4), dbSNP rs761727833, ClinGen allele CA8604811.

ClinVar aggregate classification (germline): Uncertain significance (1 of 4 stars; one submission).

Allele frequency attached by ClinVar (database versions not stated): gnomAD 0.00001; gnomAD exomes 0.00002; ExAC 0.00005.
gnomAD v4.1: 23 of 1,612,988 alleles (0.0014%); highest among the groups gnomAD compares: South Asian, 0.021%; no homozygotes.

Submission:

Labcorp Genetics (formerly Invitae), Labcorp
Classification: Uncertain significance. Last evaluated: 2022-05-05. Review status: criteria provided, single submitter. Criteria: Invitae Variant Classification Sherloc (09022015). Collection method: clinical testing. Allele origin: germline.
Comment: In summary, the available evidence is currently insufficient to determine the role of this variant in disease. Therefore, it has been classified as a Variant of Uncertain Significance. Algorithms developed to predict the effect of missense changes on protein structure and function are either unavailable or do not agree on the potential impact of this missense change (SIFT: "Deleterious"; PolyPhen-2: "Benign"; Align-GVGD: "Class C0"). This variant has not been reported in the literature in individuals affected with FZD2-related conditions. This variant is present in population databases (rs761727833, gnomAD 0.02%). This sequence change replaces lysine, which is basic and polar, with arginine, which is basic and polar, at codon 550 of the FZD2 protein (p.Lys550Arg).